The following is an entry in ClinVar:

NM_001394372.1(BICRA):c.3034G>T (p.Ala1012Ser)

Gene: BICRA (BRD4 interacting chromatin remodeling complex associated protein; plus strand). Cytogenetic location: 19q13.33.
Variant type: single nucleotide variant.
Coding change: c.3034G>T on transcript NM_001394372.1 (MANE Select); coding-DNA position 3034, G replaced by T.
Protein change: p.Ala1012Ser; replaces alanine 1012 with serine.
Molecular consequence: missense variant.
Genome position (GRCh38, 1-based): chr19:47,695,038, G>T. VCF-style: chr19-47695038-G-T. GRCh37 (hg19) VCF-style: chr19-48198295-G-T.
Other names: c.3034G>T, p.Ala1012Ser (NM_015711.3); short protein forms A1012S.
Identifiers: ClinVar variation 2506844 (VCV002506844.1), dbSNP rs1340052755, ClinGen allele CA406621621.
Genomic context (GRCh38, chr19:47,695,038, plus strand): 5'-CTCACCAGCCCCGCTGCGTCTGTGCTGGTCAGTGGGCAGGCCCCATCTGGGACCCCCACT[G>T]CCCCCAGCCACGCCCCCGCCCCGGCACCCATGGCCGCCACAGGTAGGAGAGAGGTCGCCT-3'
Protein context (NP_001381301.1, residues 1002-1022): SGQAPSGTPT[Ala1012Ser]PSHAPAPAPM

ClinVar aggregate classification (germline): Uncertain significance (1 of 4 stars; one submission).

Submission:

GeneDx
Classification: Uncertain significance. Last evaluated: 2022-12-22. Review status: criteria provided, single submitter. Criteria: GeneDx Variant Classification Process June 2021. Collection method: clinical testing. Allele origin: germline. Affected: yes.
Comment: Not observed at significant frequency in large population cohorts (gnomAD); In silico analysis supports that this missense variant does not alter protein structure/function; Has not been previously published as pathogenic or benign to our knowledge